The following is an entry in ClinVar:

ClinVar aggregate classification (germline): Uncertain significance (1 of 4 stars; one submission).

Allele frequency attached by ClinVar (database versions not stated): TOPMed below 0.00001; gnomAD 0.00001.
gnomAD v4.1: 13 of 1,612,992 alleles (0.00081%); highest among the groups gnomAD compares: Non-Finnish European, 0.0011%; no homozygotes.

Submission:

Labcorp Genetics (formerly Invitae), Labcorp
Classification: Uncertain significance. Last evaluated: 2024-08-19. Review status: criteria provided, single submitter. Criteria: Invitae Variant Classification Sherloc (09022015). Collection method: clinical testing. Allele origin: germline.
Comment: This sequence change replaces alanine, which is neutral and non-polar, with glycine, which is neutral and non-polar, at codon 575 of the RTTN protein (p.Ala575Gly). This variant is not present in population databases (gnomAD no frequency). This variant has not been reported in the literature in individuals affected with RTTN-related conditions. ClinVar contains an entry for this variant (Variation ID: 2077443). Invitae Evidence Modeling of protein sequence and biophysical properties (such as structural, functional, and spatial information, amino acid conservation, physicochemical variation, residue mobility, and thermodynamic stability) indicates that this missense variant is not expected to disrupt RTTN protein function with a negative predictive value of 80%. In summary, the available evidence is currently insufficient to determine the role of this variant in disease. Therefore, it has been classified as a Variant of Uncertain Significance.

NM_173630.4(RTTN):c.1724C>G (p.Ala575Gly)

Gene: RTTN (rotatin; minus strand). Cytogenetic location: 18q22.2.
Variant type: single nucleotide variant.
Coding change: c.1724C>G on transcript NM_173630.4 (MANE Select); coding-DNA position 1724, C replaced by G.
Protein change: p.Ala575Gly; replaces alanine 575 with glycine.
Molecular consequence: missense variant. On other transcripts: 5 prime UTR variant (1).
Genome position (GRCh38, 1-based): chr18:70,166,997, G>C on the plus strand (C>G on the coding strand, the complement: RTTN is on the minus strand). VCF-style: chr18-70166997-G-C. GRCh37 (hg19) VCF-style: chr18-67834233-G-C.
Other names: c.-924C>G (NM_001318520.2); short protein forms A575G.
Identifiers: ClinVar variation 2077443 (VCV002077443.4), dbSNP rs1268789230, ClinGen allele CA402697742.